The following is an entry in ClinVar:

ClinVar aggregate classification (germline): Likely pathogenic (1 of 4 stars; one submission).

Submission:

GeneDx
Classification: Likely pathogenic. Last evaluated: 2017-07-12. Review status: criteria provided, single submitter. Criteria: GeneDx Variant Classification (06012015). Collection method: clinical testing. Allele origin: germline. Affected: yes.
Comment: The F871L variant in the HDAC4 gene has not been reported previously as a pathogenic variant in association with an HDAC4-related disorder, nor as a benign variant to our knowledge. The F871L variant is not observed in large population cohorts (Lek et al., 2016; 1000 Genomes Consortium et al., 2015; Exome Variant Server). The F871L variant is a conservative amino acid substitution, which is not likely to impact secondary protein structure as these residues share similar properties. This substitution occurs at a position that is conserved across species. Functional studies of F871L using a PCR-mediated random mutagenesis method revealed that the mutant protein was unable to interact with the SMRT repression domain 3 (Kim et al., 2015). We interpret F871L as a likely pathogenic variant.

NM_001378414.1(HDAC4):c.2628C>G (p.Phe876Leu)

Gene: HDAC4 (histone deacetylase 4; minus strand). Cytogenetic location: 2q37.3.
Variant type: single nucleotide variant.
Coding change: c.2628C>G on transcript NM_001378414.1 (MANE Select); coding-DNA position 2628, C replaced by G.
Protein change: p.Phe876Leu; replaces phenylalanine 876 with leucine.
Molecular consequence: missense variant.
Genome position (GRCh38, 1-based): chr2:239,082,126, G>C on the plus strand (C>G on the coding strand, the complement: HDAC4 is on the minus strand). VCF-style: chr2-239082126-G-C. GRCh37 (hg19) VCF-style: chr2-240003822-G-C.
Other names: c.2628C>G, p.Phe876Leu (NM_001378415.1); c.2613C>G, p.Phe871Leu (NM_001378416.1, NM_001378417.1, NM_006037.4); short protein forms F871L, F876L.
Identifiers: ClinVar variation 450529 (VCV000450529.2), dbSNP rs756574089, ClinGen allele CA351260841.